The following is an entry in ClinVar:

NM_006922.4(SCN3A):c.1558A>G (p.Arg520Gly)

Gene: SCN3A (sodium voltage-gated channel alpha subunit 3; minus strand). Cytogenetic location: 2q24.3.
Variant type: single nucleotide variant.
Coding change: c.1558A>G on transcript NM_006922.4 (MANE Select); coding-DNA position 1558, A replaced by G.
Protein change: p.Arg520Gly; replaces arginine 520 with glycine.
Molecular consequence: missense variant.
Genome position (GRCh38, 1-based): chr2:165,146,852, T>C on the plus strand (A>G on the coding strand, the complement: SCN3A is on the minus strand). VCF-style: chr2-165146852-T-C. GRCh37 (hg19) VCF-style: chr2-166003362-T-C.
Other names: c.1558A>G, p.Arg520Gly (NM_001081676.2, NM_001081677.2); short protein forms R520G.
Identifiers: ClinVar variation 3679950 (VCV003679950.2).

ClinVar aggregate classification (germline): Uncertain significance (1 of 4 stars; one submission).

Submission:

Labcorp Genetics (formerly Invitae), Labcorp
Classification: Uncertain significance. Last evaluated: 2025-01-23. Review status: criteria provided, single submitter. Criteria: Invitae Variant Classification Sherloc (09022015). Collection method: clinical testing. Allele origin: germline.
Comment: This sequence change replaces arginine, which is basic and polar, with glycine, which is neutral and non-polar, at codon 520 of the SCN3A protein (p.Arg520Gly). This variant is not present in population databases (gnomAD no frequency). This variant has not been reported in the literature in individuals affected with SCN3A-related conditions. Invitae Evidence Modeling of protein sequence and biophysical properties (such as structural, functional, and spatial information, amino acid conservation, physicochemical variation, residue mobility, and thermodynamic stability) indicates that this missense variant is not expected to disrupt SCN3A protein function with a negative predictive value of 95%. In summary, the available evidence is currently insufficient to determine the role of this variant in disease. Therefore, it has been classified as a Variant of Uncertain Significance.